The following is an entry in ClinVar:

NM_001009944.3(PKD1):c.8998del (p.Arg3000fs)

Gene: PKD1 (polycystin 1, transient receptor potential channel interacting; minus strand). Cytogenetic location: 16p13.3.
Variant type: Deletion.
Coding change: c.8998del on transcript NM_001009944.3 (MANE Select); coding-DNA position 8998, one base deleted (C; older notation c.8998delC).
Protein change: p.Arg3000fs; shifts the reading frame from arginine 3000.
Molecular consequence: frameshift variant.
Genome position (GRCh38, 1-based): chr16:2,102,584, G deleted on the plus strand (C on the coding strand, the reverse complement: PKD1 is on the minus strand); the first of 2 consecutive G bases (chr16:2,102,584-2,102,585); deleting either gives the same sequence. VCF-style (leftmost placement, unchanged base first): chr16-2102583-CG-C. GRCh37 (hg19) VCF-style: chr16-2152584-CG-C.
Other names: c.8998del, p.Arg3000fs (NM_000296.4); c.8997delC, p.Arg3000Alafs (NM_001009944.2); short protein forms R3000fs.
Identifiers: ClinVar variation 1712636 (VCV001712636.3), dbSNP rs1555450475, ClinGen allele CA2580090945.
Genomic context (GRCh38, chr16:2,102,583, plus strand): 5'-TCGCTGAAGTACTGGCACAGGGACGTGTACAGGCCCACGGACACCTGCAGCGCCGACCAG[CG>C]GAAGTGGCTGGAGAGGTTCAGATGGTAACTCCCCGCTGGGTCTCTGCTCCTGGGCAGGGA-3'

ClinVar aggregate classification (germline): Pathogenic. Review status: criteria provided, multiple submitters, no conflicts (2 of 4 stars). 2 submissions from 2 submitters: Pathogenic (2). Last evaluated 2025-04-21.

Conditions:
Polycystic kidney disease, adult type (PKD1). Also called: Polycystic Kidney Disease 1, Autosomal Dominant; Polycystic kidney disease 1; Polycystic kidney disease 1, severe; POLYCYSTIC KIDNEY DISEASE 1 WITH OR WITHOUT POLYCYSTIC LIVER DISEASE; POLYCYSTIC KIDNEY DISEASE, ADULT, TYPE I; Polycystic Kidney, Autosomal Dominant. Identifiers: MedGen C3149841, MONDO:0008263, OMIM 173900.

Submissions (2):

Variantyx, Inc.
Classification: Pathogenic for Polycystic kidney disease, adult type. Last evaluated: 2025-04-21. Review status: criteria provided, single submitter. Criteria: Variantyx Assertion Criteria 2022. Collection method: clinical testing. Allele origin: germline. Inheritance: Autosomal dominant inheritance. Affected: yes.
Comment: This is a frameshift variant in the PKD1 gene (OMIM: 601313). Pathogenic variants in this gene have been associated with autosomal dominant polycystic kidney disease 1. This variant introduces a premature termination codon in exon 25 out of 46 and is expected to result in loss of function, which is a known disease mechanism for PKD1 in this disorder (PMID: 22008521, 9199561, 38012624) (PVS1). This variant has been reported in at least one affected individuals (PMID: 26139440) (PS4), while it is absent from control populations (PM2). Based on the current evidence, this variant is classified as pathogenic for autosomal dominant polycystic kidney disease 1.

GeneDx
Classification: Pathogenic. Last evaluated: 2022-04-29. Review status: criteria provided, single submitter. Criteria: GeneDx Variant Classification Process June 2021. Collection method: clinical testing. Allele origin: germline. Affected: yes.
Comment: Observed in a fetus with hyperechogenic kidneys and family history of polycystic kidneys in published literature (Audrezet et al., 2016); Frameshift variant predicted to result in protein truncation or nonsense mediated decay in a gene for which loss of function is a known mechanism of disease; Not observed at significant frequency in large population cohorts (gnomAD); This variant is associated with the following publications: (PMID: 26139440)

Literature cited by the submitters: PubMed 22008521 (cited by Variantyx, Inc.); PubMed 9199561 (cited by Variantyx, Inc.); PubMed 38012624 (cited by Variantyx, Inc.); PubMed 26139440 (cited by Variantyx, Inc.).